The following is an entry in ClinVar:

NM_003737.4(DCHS1):c.9278G>A (p.Arg3093Gln)

Gene: DCHS1 (dachsous cadherin-related 1; minus strand). Cytogenetic location: 11p15.4.
Variant type: single nucleotide variant.
Coding change: c.9278G>A on transcript NM_003737.4 (MANE Select); coding-DNA position 9278, G replaced by A.
Protein change: p.Arg3093Gln; replaces arginine 3093 with glutamine.
Molecular consequence: missense variant.
Genome position (GRCh38, 1-based): chr11:6,622,398, C>T on the plus strand (G>A on the coding strand, the complement: DCHS1 is on the minus strand). VCF-style: chr11-6622398-C-T. GRCh37 (hg19) VCF-style: chr11-6643629-C-T.
Other names: short protein forms R3093Q.
Identifiers: ClinVar variation 2211448 (VCV002211448.5), dbSNP rs753793379, ClinGen allele CA217329247.

ClinVar aggregate classification (germline): Uncertain significance. Review status: criteria provided, multiple submitters, no conflicts (2 of 4 stars). 2 submissions from 2 submitters: Uncertain significance (2). Last evaluated 2024-11-27.

Conditions:
Inborn genetic diseases. Identifiers: MedGen C0950123, MeSH D030342.

Allele frequency attached by ClinVar (database versions not stated): gnomAD 0.00001; TOPMed 0.00002; gnomAD exomes 0.00005.
gnomAD v4.1: 70 of 1,556,826 alleles (0.0045%); highest among the groups gnomAD compares: Non-Finnish European, 0.0056%; no homozygotes.

Submissions (2):

Labcorp Genetics (formerly Invitae), Labcorp
Classification: Uncertain significance. Last evaluated: 2024-11-27. Review status: criteria provided, single submitter. Criteria: Invitae Variant Classification Sherloc (09022015). Collection method: clinical testing. Allele origin: germline.
Comment: This sequence change replaces arginine, which is basic and polar, with glutamine, which is neutral and polar, at codon 3093 of the DCHS1 protein (p.Arg3093Gln). This variant is present in population databases (rs753793379, gnomAD 0.01%). This variant has not been reported in the literature in individuals affected with DCHS1-related conditions. ClinVar contains an entry for this variant (Variation ID: 2211448). Invitae Evidence Modeling of protein sequence and biophysical properties (such as structural, functional, and spatial information, amino acid conservation, physicochemical variation, residue mobility, and thermodynamic stability) indicates that this missense variant is not expected to disrupt DCHS1 protein function with a negative predictive value of 80%. In summary, the available evidence is currently insufficient to determine the role of this variant in disease. Therefore, it has been classified as a Variant of Uncertain Significance.

Ambry Genetics
Classification: Uncertain significance for Inborn genetic diseases. Last evaluated: 2021-08-09. Review status: criteria provided, single submitter. Criteria: Ambry Variant Classification Scheme 2023. Collection method: clinical testing. Allele origin: germline.